The following is an entry in ClinVar:

ClinVar aggregate classification (germline): Uncertain significance. Review status: criteria provided, multiple submitters, no conflicts (2 of 4 stars). 2 submissions from 2 submitters: Uncertain significance (2). Last evaluated 2026-07-20.

Conditions:
Familial sleep-related hypermotor epilepsy. Also called: Autosomal Dominant Sleep-Related Hypermotor (Hyperkinetic) Epilepsy. Identifiers: Orphanet 98784, MedGen C3696898, MONDO:0000030.
Inborn genetic diseases. Identifiers: MedGen C0950123, MeSH D030342.

Allele frequency attached by ClinVar (database versions not stated): TOPMed 0.00001.
gnomAD v4.1: 3 of 1,614,076 alleles (0.00019%); highest among the groups gnomAD compares: Non-Finnish European, 0.000085%; no homozygotes.

Submissions (2):

Ambry Genetics
Classification: Uncertain significance for Inborn genetic diseases. Last evaluated: 2026-07-20. Review status: criteria provided, single submitter. Criteria: Ambry Variant Classification Scheme 2023. Collection method: clinical testing. Allele origin: germline.

Labcorp Genetics (formerly Invitae), Labcorp
Classification: Uncertain significance. Last evaluated: 2025-09-15. Review status: criteria provided, single submitter. Criteria: Invitae Variant Classification Sherloc (09022015). Collection method: clinical testing. Allele origin: germline.
Comment: This sequence change replaces proline, which is neutral and non-polar, with arginine, which is basic and polar, at codon 76 of the CHRNA2 protein (p.Pro76Arg). This variant is not present in population databases (gnomAD no frequency). This variant has not been reported in the literature in individuals affected with CHRNA2-related conditions. ClinVar contains an entry for this variant (Variation ID: 1018834). Invitae Evidence Modeling of protein sequence and biophysical properties (such as structural, functional, and spatial information, amino acid conservation, physicochemical variation, residue mobility, and thermodynamic stability) indicates that this missense variant is expected to disrupt CHRNA2 protein function with a positive predictive value of 80%. In summary, the available evidence is currently insufficient to determine the role of this variant in disease. Therefore, it has been classified as a Variant of Uncertain Significance.

NM_000742.4(CHRNA2):c.227C>G (p.Pro76Arg)

Gene: CHRNA2 (cholinergic receptor nicotinic alpha 2 subunit; minus strand). Cytogenetic location: 8p21.2.
Variant type: single nucleotide variant.
Coding change: c.227C>G on transcript NM_000742.4 (MANE Select); coding-DNA position 227, C replaced by G.
Protein change: p.Pro76Arg; replaces proline 76 with arginine.
Molecular consequence: missense variant. On other transcripts: 5 prime UTR variant (4).
Genome position (GRCh38, 1-based): chr8:27,469,828, G>C on the plus strand (C>G on the coding strand, the complement: CHRNA2 is on the minus strand). VCF-style: chr8-27469828-G-C. GRCh37 (hg19) VCF-style: chr8-27327345-G-C.
Other names: c.227C>G, p.Pro76Arg (NM_001282455.2); c.-201C>G (NM_001347705.2); c.-246C>G (NM_001347706.2); c.-187C>G (NM_001347707.2); c.-235C>G (NM_001347708.2); short protein forms P76R.
Identifiers: ClinVar variation 1018834 (VCV001018834.8), dbSNP rs199810678, ClinGen allele CA370812973.
Genomic context (GRCh38, chr8:27,469,828, plus strand): 5'-ATGAGCTGAGCGATGGACAGTCCAAAGCGCACAATCACCACGTCTGAAGTGTTGGGCACC[G>C]GGCGCGCCCAGCGGTTGTAGCCCCGGAAGAGGTGTTTGAAGAGCCGGTCCTCAGTCTCGG-3'
Protein context (NP_000733.2, residues 66-86): LFRGYNRWAR[Pro76Arg]VPNTSDVVIV